The following is an entry in ClinVar:

ClinVar aggregate classification (germline): Uncertain significance. Review status: criteria provided, multiple submitters, no conflicts (2 of 4 stars). 3 submissions from 3 submitters: Uncertain significance (3). Last evaluated 2025-07-27.

Conditions:
Kabuki syndrome 1 (KABUK1). Also called: KMT2D-Related Kabuki Syndrome. Identifiers: Orphanet 2322, MedGen CN030661, MONDO:0007843, OMIM 147920.
Choanal atresia-athelia-hypothyroidism-delayed puberty-short stature syndrome (BCAHH). Also called: BRANCHIAL ARCH ABNORMALITIES, CHOANAL ATRESIA, ATHELIA, HEARING LOSS, AND HYPOTHYROIDISM SYNDROME. Identifiers: Orphanet 589856, MedGen C5680310, MONDO:0035651, OMIM 620186.
Kabuki syndrome. Also called: NIIKAWA-KUROKI SYNDROME; Kabuki make-up syndrome. Identifiers: Orphanet 2322, MedGen C0796004, MONDO:0016512.

Submissions (3):

Labcorp Genetics (formerly Invitae), Labcorp
Classification: Uncertain significance for Kabuki syndrome. Last evaluated: 2025-07-27. Review status: criteria provided, single submitter. Criteria: Invitae Variant Classification Sherloc (09022015). Collection method: clinical testing. Allele origin: germline.
Comment: This variant, c.1364_1390del, results in the deletion of 9 amino acid(s) of the KMT2D protein (p.Glu455_Glu463del), but otherwise preserves the integrity of the reading frame. This variant is present in population databases (rs764364594, gnomAD 0.006%). This variant has not been reported in the literature in individuals affected with KMT2D-related conditions. This variant has been observed in at least one individual who was not affected with KMT2D-related conditions (internal data). ClinVar contains an entry for this variant (Variation ID: 3021160). Experimental studies and prediction algorithms are not available or were not evaluated, and the functional significance of this variant is currently unknown. In summary, the available evidence is currently insufficient to determine the role of this variant in disease. Therefore, it has been classified as a Variant of Uncertain Significance.

Blueprint Genetics
Classification: Uncertain significance. Last evaluated: 2024-08-26. Review status: criteria provided, single submitter. Criteria: ACMG Guidelines, 2015. Collection method: clinical testing. Allele origin: germline.

Fulgent Genetics
Classification: Uncertain significance for Kabuki syndrome 1; Choanal atresia-athelia-hypothyroidism-delayed puberty-short stature syndrome. Last evaluated: 2024-01-22. Review status: criteria provided, single submitter. Criteria: ACMG Guidelines, 2015. Collection method: clinical testing. Allele origin: germline.

NM_003482.4(KMT2D):c.1364_1390del (p.Glu455_Glu463del)

Gene: KMT2D (lysine methyltransferase 2D; minus strand). Cytogenetic location: 12q13.12.
Variant type: Deletion.
Coding change: c.1364_1390del on transcript NM_003482.4 (MANE Select); coding-DNA positions 1364 to 1390, 27 bases deleted (AATCACCCACGTCCCCACCACCTGAGG).
Protein change: p.Glu455_Glu463del.
Molecular consequence: inframe deletion.
Genome position (GRCh38, 1-based): chr12:49,052,293-49,052,319, CCTCAGGTGGTGGGGACGTGGGTGATT deleted on the plus strand (AATCACCCACGTCCCCACCACCTGAGG on the coding strand, the reverse complement: KMT2D is on the minus strand); deleting any 27 consecutive bases within chr12:49,052,293-49,052,336 gives the same sequence; the c. name uses the placement nearest the transcript's 3' end. VCF-style (leftmost placement, unchanged base first): chr12-49052292-GCCTCAGGTGGTGGGGACGTGGGTGATT-G. GRCh37 (hg19) VCF-style: chr12-49446075-GCCTCAGGTGGTGGGGACGTGGGTGATT-G.
Identifiers: ClinVar variation 3021160 (VCV003021160.4), dbSNP rs764364594, ClinGen allele CA6548491.
Genomic context (GRCh38, chr12:49,052,292, plus strand): 5'-TGCAATGCCTCAGGAAGTGGGGATGCGGGCAATTCCTCAGGTGGTGGTGACAGGCGTGAT[GCCTCAGGTGGTGGGGACGTGGGTGATT>G]CCTCAGGTGGTGGGGACAGGGGTGACTCCTCAGGTGGGGGCAGCAGTGGCATCTCCTCGT-3'